The following is an entry in ClinVar:

NM_001377.3(DYNC2H1):c.5885C>G (p.Ala1962Gly)

Gene: DYNC2H1 (dynein cytoplasmic 2 heavy chain 1; plus strand). Cytogenetic location: 11q22.3.
Variant type: single nucleotide variant.
Coding change: c.5885C>G on transcript NM_001377.3 (MANE Select); coding-DNA position 5885, C replaced by G.
Protein change: p.Ala1962Gly; replaces alanine 1962 with glycine.
Molecular consequence: missense variant.
Genome position (GRCh38, 1-based): chr11:103,177,566, C>G. VCF-style: chr11-103177566-C-G. GRCh37 (hg19) VCF-style: chr11-103048295-C-G.
Other names: c.5885C>G, p.Ala1962Gly (NM_001080463.2); short protein forms A1962G.
Identifiers: ClinVar variation 1469873 (VCV001469873.8), dbSNP rs2134994109, ClinGen allele CA382245711.

ClinVar aggregate classification (germline): Uncertain significance (1 of 4 stars; one submission).

Conditions:
Jeune thoracic dystrophy. Also called: Jeune syndrome; Infantile thoracic dystrophy; Thoracic pelvic phalangeal dystrophy; Jeune's syndrome; Chondroectodermal dysplasia-like syndrome; Short-rib thoracic dysplasia. Identifiers: Orphanet 474, MedGen C0265275, MONDO:0018770.

Submission:

Labcorp Genetics (formerly Invitae), Labcorp
Classification: Uncertain significance for Jeune thoracic dystrophy. Last evaluated: 2021-06-06. Review status: criteria provided, single submitter. Criteria: Invitae Variant Classification Sherloc (09022015). Collection method: clinical testing. Allele origin: germline.
Comment: In summary, the available evidence is currently insufficient to determine the role of this variant in disease. Therefore, it has been classified as a Variant of Uncertain Significance. Advanced modeling of protein sequence and biophysical properties (such as structural, functional, and spatial information, amino acid conservation, physicochemical variation, residue mobility, and thermodynamic stability) performed at Invitae indicates that this missense variant is not expected to disrupt DYNC2H1 protein function. This sequence change replaces alanine with glycine at codon 1962 of the DYNC2H1 protein (p.Ala1962Gly). The alanine residue is highly conserved and there is a small physicochemical difference between alanine and glycine. This variant is not present in population databases (ExAC no frequency). This variant has not been reported in the literature in individuals with DYNC2H1-related conditions.